The following is an entry in ClinVar:

ClinVar aggregate classification (germline): Uncertain significance (1 of 4 stars; one submission).

Conditions:
Arrhythmogenic cardiomyopathy with wooly hair and keratoderma. Also called: PALMOPLANTAR KERATODERMA WITH LEFT VENTRICULAR CARDIOMYOPATHY AND WOOLLY HAIR; Carvajal syndrome; Dilated cardiomyopathy with woolly hair and keratoderma; Arrhythmogenic cardiomyopathy with woolly hair and keratoderma. Identifiers: Orphanet 65282, MedGen C1854063, MONDO:0011581, OMIM 605676.

Allele frequency attached by ClinVar (database versions not stated): gnomAD exomes below 0.00001; ExAC 0.00001; gnomAD 0.00001.
gnomAD v4.1: 2 of 1,613,868 alleles (0.00012%); highest among the groups gnomAD compares: African/African-American, 0.0013%; no homozygotes.

Submission:

All of Us Research Program, National Institutes of Health
Classification: Uncertain significance for Arrhythmogenic cardiomyopathy with wooly hair and keratoderma. Last evaluated: 2024-01-11. Review status: criteria provided, single submitter. Criteria: ACMG Guidelines, 2015. Collection method: clinical testing. Allele origin: germline. Inheritance: Autosomal dominant inheritance. Observed: 1 variant allele, 1 heterozygote.
Comment: This study involves interpretation of variants in research participants for the purpose of population health screening. Participant phenotype was not available at the time of variant classification. Additional details can be found in publication PMID: 35346344, PMCID: PMC8962531

NM_004415.4(DSP):c.974A>G (p.Glu325Gly)

Gene: DSP (desmoplakin; plus strand). Cytogenetic location: 6p24.3.
Variant type: single nucleotide variant.
Coding change: c.974A>G on transcript NM_004415.4 (MANE Select); coding-DNA position 974, A replaced by G.
Protein change: p.Glu325Gly; replaces glutamic acid 325 with glycine.
Molecular consequence: missense variant.
Genome position (GRCh38, 1-based): chr6:7,566,411, A>G. VCF-style: chr6-7566411-A-G. GRCh37 (hg19) VCF-style: chr6-7566644-A-G.
Other names: c.974A>G, p.Glu325Gly (NM_001008844.3, NM_001319034.2, NM_001406591.1); short protein forms E325G.
Identifiers: ClinVar variation 3075339 (VCV003075339.1), dbSNP rs745553634, ClinGen allele CA053397.